The following is an entry in ClinVar:

NM_015981.4(CAMK2A):c.445G>A (p.Gly149Ser)

Gene: CAMK2A (calcium/calmodulin dependent protein kinase II alpha; minus strand). Cytogenetic location: 5q32.
Variant type: single nucleotide variant.
Coding change: c.445G>A on transcript NM_015981.4 (MANE Select); coding-DNA position 445, G replaced by A.
Protein change: p.Gly149Ser; replaces glycine 149 with serine.
Molecular consequence: missense variant.
Genome position (GRCh38, 1-based): chr5:150,253,513, C>T on the plus strand (G>A on the coding strand, the complement: CAMK2A is on the minus strand). VCF-style: chr5-150253513-C-T. GRCh37 (hg19) VCF-style: chr5-149633076-C-T.
Other names: c.445G>A, p.Gly149Ser (NM_001363989.1, NM_001363990.1, NM_001369025.2 and 1 more transcripts); short protein forms G149S.
Identifiers: ClinVar variation 1695620 (VCV001695620.2), dbSNP rs2150282182, ClinGen allele CA361752724.

ClinVar aggregate classification (germline): Uncertain significance (1 of 4 stars; one submission).

Submission:

GeneDx
Classification: Uncertain significance. Last evaluated: 2022-01-07. Review status: criteria provided, single submitter. Criteria: GeneDx Variant Classification Process June 2021. Collection method: clinical testing. Allele origin: germline. Affected: yes.
Comment: Not observed at significant frequency in large population cohorts (gnomAD); In silico analysis supports that this missense variant has a deleterious effect on protein structure/function; Has not been previously published as pathogenic or benign to our knowledge